The following is an entry in ClinVar:

NM_198129.4(LAMA3):c.5223-2A>G

Gene: LAMA3 (laminin subunit alpha 3; plus strand). Cytogenetic location: 18q11.2.
Variant type: single nucleotide variant.
Coding change: c.5223-2A>G on transcript NM_198129.4 (MANE Select); the canonical splice acceptor site of the intron before coding-DNA position 5223, A replaced by G.
Molecular consequence: splice acceptor variant.
Genome position (GRCh38, 1-based): chr18:23,884,771, A>G. VCF-style: chr18-23884771-A-G. GRCh37 (hg19) VCF-style: chr18-21464735-A-G.
Other names: c.5223-2A>G (NM_001127717.4); c.396-2A>G (NM_000227.6, NM_001127718.4).
Identifiers: ClinVar variation 2977969 (VCV002977969.3), dbSNP rs2511290957, ClinGen allele CA402045409.

ClinVar aggregate classification (germline): Likely pathogenic (1 of 4 stars; one submission).

Submission:

Labcorp Genetics (formerly Invitae), Labcorp
Classification: Likely pathogenic. Last evaluated: 2023-02-23. Review status: criteria provided, single submitter. Criteria: Invitae Variant Classification Sherloc (09022015). Collection method: clinical testing. Allele origin: germline.
Comment: In summary, the currently available evidence indicates that the variant is pathogenic, but additional data are needed to prove that conclusively. Therefore, this variant has been classified as Likely Pathogenic. Algorithms developed to predict the effect of sequence changes on RNA splicing suggest that this variant may disrupt the consensus splice site. This variant has not been reported in the literature in individuals affected with LAMA3-related conditions. This variant is not present in population databases (gnomAD no frequency). This sequence change affects an acceptor splice site in intron 3 of the LAMA3 gene. It is expected to disrupt RNA splicing. Variants that disrupt the donor or acceptor splice site typically lead to a loss of protein function (PMID: 16199547), and loss-of-function variants in LAMA3 are known to be pathogenic (PMID: 10366601, 11810295, 12915477, 16473856, 17362460, 22434185, 23869449, 27827380, 28087116).

Literature cited by the submitters: PubMed 16199547; PubMed 10366601; PubMed 11810295; PubMed 12915477; PubMed 16473856; PubMed 17362460; PubMed 22434185; PubMed 23869449; PubMed 27827380; PubMed 28087116.